The following is an entry in ClinVar:

ClinVar aggregate classification (germline): Pathogenic (1 of 4 stars; one submission).

Submission:

Greenwood Genetic Center Diagnostic Laboratories, Greenwood Genetic Center
Classification: Pathogenic. Last evaluated: 2021-02-25. Review status: criteria provided, single submitter. Criteria: ACMG Guidelines, 2015. Collection method: clinical testing. Allele origin: germline. Affected: yes.
Comment: PVS1, PS2, PM2

NM_001356.5(DDX3X):c.1733dup (p.His578fs)

Gene: DDX3X (DEAD-box helicase 3 X-linked; plus strand). Cytogenetic location: Xp11.4.
Variant type: Duplication.
Coding change: c.1733dup on transcript NM_001356.5 (MANE Select); coding-DNA position 1733, one base duplicated (A; older notation c.1733dupA).
Protein change: p.His578fs; shifts the reading frame from histidine 578.
Molecular consequence: frameshift variant. On other transcripts: non-coding transcript variant (1).
Genome position (GRCh38, 1-based): chrX:41,346,976, A duplicated. VCF-style (leftmost placement, unchanged base first): chrX-41346975-C-CA. GRCh37 (hg19) VCF-style: chrX-41206228-C-CA.
Other names: c.1733dup, p.His578fs (NM_001193416.3); c.1685dup, p.His562fs (NM_001193417.3); c.1175dup, p.His392fs (NM_001363819.1); short protein forms H392fs, H562fs, H578fs.
Identifiers: ClinVar variation 1331594 (VCV001331594.4), dbSNP rs2147360104, ClinGen allele CA2573055318.